The following is an entry in ClinVar:

NM_005188.4(CBL):c.1149A>G (p.Ile383Met)

Gene: CBL (Cbl proto-oncogene; plus strand). Cytogenetic location: 11q23.3.
Variant type: single nucleotide variant.
Coding change: c.1149A>G on transcript NM_005188.4 (MANE Select); coding-DNA position 1149, A replaced by G.
Protein change: p.Ile383Met; replaces isoleucine 383 with methionine.
Molecular consequence: missense variant.
Genome position (GRCh38, 1-based): chr11:119,278,219, A>G. VCF-style: chr11-119278219-A-G. GRCh37 (hg19) VCF-style: chr11-119148929-A-G.
Other names: short protein forms I383M.
Identifiers: ClinVar variation 1334229 (VCV001334229.9), dbSNP rs2135303712, ClinGen allele CA382912538.
Genomic context (GRCh38, chr11:119,278,219, plus strand): 5'-ATCAAAGGAACAATATGAATTATACTGTGAGATGGGCTCCACATTCCAACTATGTAAAAT[A>G]TGTGCTGAAAATGATAAGGATGTAAAGATTGAGCCCTGTGGACACCTCATGTGCACATCC-3'
Protein context (NP_005179.2, residues 373-393): EMGSTFQLCK[Ile383Met]CAENDKDVKI

ClinVar aggregate classification (germline): Uncertain significance. Review status: criteria provided, multiple submitters, no conflicts (2 of 4 stars). 2 submissions from 2 submitters: Uncertain significance (2). Last evaluated 2024-10-07.
ClinVar aggregate classification (somatic clinical impact): Tier I - Strong (1 of 4 stars; one submission).

Conditions:
RASopathy. Also called: rasopathies; Noonan spectrum disorder. Identifiers: Orphanet 536391, MedGen C5555857, MONDO:0021060.
Noonan syndrome and Noonan-related syndrome. Identifiers: Orphanet 98733, MedGen C5681679, MONDO:0020297.
Germinoma. Also called: Germinoma (disease). Identifiers: MedGen C0206660, MONDO:0002598, HP:0100620.

Allele frequency attached by ClinVar (database versions not stated): gnomAD exomes below 0.00001.
gnomAD v4.1: 2 of 1,611,906 alleles (0.00012%); highest among the groups gnomAD compares: Non-Finnish European, 0.00017%; no homozygotes.

Submissions (3):

Labcorp Genetics (formerly Invitae), Labcorp
Classification: Uncertain significance for RASopathy. Last evaluated: 2024-10-07. Review status: criteria provided, single submitter. Criteria: Invitae Variant Classification Sherloc (09022015). Collection method: clinical testing. Allele origin: germline.
Comment: This sequence change replaces isoleucine, which is neutral and non-polar, with methionine, which is neutral and non-polar, at codon 383 of the CBL protein (p.Ile383Met). This variant is not present in population databases (gnomAD no frequency). This variant has not been reported in the literature in individuals affected with CBL-related conditions. ClinVar contains an entry for this variant (Variation ID: 1334229). Invitae Evidence Modeling of protein sequence and biophysical properties (such as structural, functional, and spatial information, amino acid conservation, physicochemical variation, residue mobility, and thermodynamic stability) indicates that this missense variant is expected to disrupt CBL protein function with a positive predictive value of 95%. In summary, the available evidence is currently insufficient to determine the role of this variant in disease. Therefore, it has been classified as a Variant of Uncertain Significance.

Institute for Genomic Medicine (IGM) Clinical Laboratory, Nationwide Children's Hospital
Classification: Tier I - Strong for Germinoma. Assertion type: diagnostic. Clinical significance: supports diagnosis. Last evaluated: 2024-08-01. Review status: criteria provided, single submitter. Criteria: AMP/ASCO/CAP Guidelines, 2017. Collection method: clinical testing. Allele origin: somatic. Affected: yes.
Comment: Variant has Tier I (strong) clinical significance as a diagnostic inclusion criterion in germinoma, based on the following evidence: 1) Appears in one or more well-established professional guidelines (e.g., World Health Organization [WHO]; National Comprehensive Cancer Network [NCCN]) as providing diagnostic, prognostic, or therapeutic information. 2) Diagnostic for a specific tumor type/classification based on well-powered studies with expert-level consensus (Evidence Level B; PMIDs: 24896186, 26956871, 32721511).

Genome Diagnostics Laboratory, The Hospital for Sick Children
Classification: Uncertain significance for Noonan syndrome and Noonan-related syndrome. Last evaluated: 2020-11-16. Review status: criteria provided, single submitter. Criteria: ACMG Guidelines, 2015. Collection method: clinical testing. Allele origin: germline.

Literature cited by the submitters: PubMed 24896186 (cited by Institute for Genomic Medicine (IGM) Clinical Laboratory, Nationwide Children's Hospital); PubMed 26956871 (cited by Institute for Genomic Medicine (IGM) Clinical Laboratory, Nationwide Children's Hospital); PubMed 32721511 (cited by Institute for Genomic Medicine (IGM) Clinical Laboratory, Nationwide Children's Hospital).